The following is an entry in ClinVar:

NM_015046.7(SETX):c.7914C>T (p.Phe2638=)

Gene: SETX (senataxin; minus strand). Cytogenetic location: 9q34.13.
Variant type: single nucleotide variant.
Coding change: c.7914C>T on transcript NM_015046.7 (MANE Select); coding-DNA position 7914, C replaced by T.
Protein change: p.Phe2638=; no amino-acid change (phenylalanine 2638 retained).
Molecular consequence: synonymous variant.
Genome position (GRCh38, 1-based): chr9:132,264,359, G>A on the plus strand (C>T on the coding strand, the complement: SETX is on the minus strand). VCF-style: chr9-132264359-G-A. GRCh37 (hg19) VCF-style: chr9-135139746-G-A.
Other names: c.7914C>T, p.Phe2638= (NM_001351527.2); c.8001C>T, p.Phe2667= (NM_001351528.2).
Identifiers: ClinVar variation 365336 (VCV000365336.58), dbSNP rs80296256, ClinGen allele CA5296290.
Genomic context (GRCh38, chr9:132,264,359, plus strand): 5'-CCTAGAGTTCCTCCTGGTGTGATGGGTCTCGGAACCACACTTCTCCTGCTCCCCTTCACT[G>A]AAAGCCCTGGCCTCTCTCCTGTGACAGAGCTCCTCTTCCGGGTCATCACATTTGCTCTGA-3'
Protein context (NP_055861.3, residues 2628-2648): ELCHRREARA[Phe2638=]SEGEQEKCGS

ClinVar aggregate classification (germline): Conflicting classifications of pathogenicity. Review status: criteria provided, conflicting classifications (1 of 4 stars). 12 submissions from 11 submitters: Uncertain significance (1); Benign (3); Likely benign (4). 4 of the submissions do not count toward it. Last evaluated 2026-06-01.

Conditions:
Spinocerebellar ataxia, autosomal recessive, with axonal neuropathy 2 (SCAN2). Also called: Ataxia-ocular apraxia-2; Ataxia with Oculomotor Apraxia Type 2; Ataxia with Oculomotor Apraxia; ATAXIA-OCULOMOTOR APRAXIA 2. Identifiers: Orphanet 64753, MedGen C1853761, MONDO:0018996, OMIM 606002.
Amyotrophic lateral sclerosis type 4 (ALS4). Also called: NEURONOPATHY, DISTAL HEREDITARY MOTOR, WITH PYRAMIDAL FEATURES; AMYOTROPHIC LATERAL SCLEROSIS 4, JUVENILE. Identifiers: Orphanet 357043, MedGen C1865409, MONDO:0011223, OMIM 602433.

Allele frequency attached by ClinVar (database versions not stated): ESP Exome Variant Server 0.00031; TOPMed 0.00049; gnomAD 0.00051; ExAC 0.00061; 1000 Genomes Project 30x 0.00078; 1000 Genomes Project 0.00100.
gnomAD v4.1: 1,215 of 1,614,148 alleles (0.075%); highest among the groups gnomAD compares: East Asian, 1.1%; 9 homozygotes.

Submissions (12):

CeGaT Center for Human Genetics Tuebingen
Classification: Likely benign. Last evaluated: 2026-06-01. Review status: criteria provided, single submitter. Criteria: CeGaT Center For Human Genetics Tuebingen Variant Classification Criteria Version 2. Collection method: clinical testing. Allele origin: germline. Affected: yes. Observed: 5 variant alleles.
Comment: SETX: BP4, BP7, BS1

Labcorp Genetics (formerly Invitae), Labcorp
Classification: Benign for Amyotrophic lateral sclerosis type 4; Spinocerebellar ataxia, autosomal recessive, with axonal neuropathy 2. Last evaluated: 2026-01-10. Review status: criteria provided, single submitter. Criteria: Invitae Variant Classification Sherloc (09022015). Collection method: clinical testing. Allele origin: germline.

ARUP Laboratories, Molecular Genetics and Genomics, ARUP Laboratories
Classification: Likely benign. Last evaluated: 2025-07-17. Review status: criteria provided, single submitter. Criteria: ARUP Molecular Germline Variant Investigation Process 2024. Collection method: clinical testing. Allele origin: germline.

Athena Diagnostics
Classification: Benign. Last evaluated: 2025-03-17. Review status: criteria provided, single submitter. Criteria: Athena Diagnostics Criteria. Collection method: clinical testing. Allele origin: unknown.
Comment: The frequency of this variant in the general population is higher than would generally be expected for pathogenic variants in this gene.

Women's Health and Genetics/Laboratory Corporation of America, LabCorp
Classification: Likely benign. Last evaluated: 2025-03-03. Review status: criteria provided, single submitter. Criteria: LabCorp Variant Classification Summary - May 2015. Collection method: clinical testing. Allele origin: germline.

Blueprint Genetics
Classification: Likely benign. Last evaluated: 2024-11-21. Review status: criteria provided, single submitter. Criteria: ACMG Guidelines, 2015. Collection method: clinical testing. Allele origin: germline.

Illumina Laboratory Services, Illumina
Classification: Uncertain significance for Spinocerebellar ataxia, autosomal recessive, with axonal neuropathy 2. Last evaluated: 2018-01-12. Review status: criteria provided, single submitter. Criteria: ICSL Variant Classification Criteria 13 December 2019. Collection method: clinical testing. Allele origin: germline.

Illumina Laboratory Services, Illumina
Classification: Benign for Amyotrophic lateral sclerosis type 4. Last evaluated: 2018-01-12. Review status: criteria provided, single submitter. Criteria: ICSL Variant Classification Criteria 13 December 2019. Collection method: clinical testing. Allele origin: germline.
Comment: This variant was observed in the ICSL laboratory as part of a predisposition screen in an ostensibly healthy population. It had not been previously curated by ICSL or reported in the Human Gene Mutation Database (HGMD: prior to June 1st, 2018), and was therefore a candidate for classification through an automated scoring system. Utilizing variant allele frequency, disease prevalence and penetrance estimates, and inheritance mode, an automated score was calculated to assess if this variant is too frequent to cause the disease. Based on the score and internal cut-off values, a variant classified as benign is not then subjected to further curation. The score for this variant resulted in a classification of benign for this disease.

Clinical Genetics DNA and cytogenetics Diagnostics Lab, Erasmus MC, Erasmus Medical Center
Classification: Likely benign. Review status: no assertion criteria provided. Collection method: clinical testing. Allele origin: germline. Affected: yes. Study: VKGL Data-share Consensus. Not counted in ClinVar's aggregate classification.

Clinical Genetics, Academic Medical Center
Classification: Benign. Review status: no assertion criteria provided. Collection method: clinical testing. Allele origin: germline. Affected: yes. Study: VKGL Data-share Consensus. Not counted in ClinVar's aggregate classification.

Genome Diagnostics Laboratory, Amsterdam University Medical Center
Classification: Likely benign. Review status: no assertion criteria provided. Collection method: clinical testing. Allele origin: germline. Affected: yes. Study: VKGL Data-share Consensus. Not counted in ClinVar's aggregate classification.

Genome Diagnostics Laboratory, University Medical Center Utrecht
Classification: Likely benign. Review status: no assertion criteria provided. Collection method: clinical testing. Allele origin: germline. Affected: yes. Study: VKGL Data-share Consensus. Not counted in ClinVar's aggregate classification.